The following is an entry in ClinVar:

ClinVar aggregate classification (germline): Conflicting classifications of pathogenicity. Review status: criteria provided, conflicting classifications (1 of 4 stars). 6 submissions from 6 submitters: Likely pathogenic (2); Uncertain significance (4). Last evaluated 2025-04-18.

Conditions:
Pyruvate kinase deficiency of red cells (CNSHA2). Also called: PK DEFICIENCY; PYRUVATE KINASE DEFICIENCY OF ERYTHROCYTE; Pyruvate kinase deficiency, Amish type. Identifiers: Orphanet 766, MedGen C0340968, MONDO:0009950, OMIM 266200.

Allele frequency attached by ClinVar (database versions not stated): gnomAD exomes below 0.00001; gnomAD 0.00001; TOPMed 0.00002.

Submissions (6):

3billion
Classification: Uncertain significance for Pyruvate kinase deficiency of red cells. Last evaluated: 2025-04-18. Review status: criteria provided, single submitter. Criteria: ACMG Guidelines, 2015. Collection method: clinical testing. Allele origin: germline. Affected: yes.

Labcorp Genetics (formerly Invitae), Labcorp
Classification: Uncertain significance. Last evaluated: 2024-08-02. Review status: criteria provided, single submitter. Criteria: Invitae Variant Classification Sherloc (09022015). Collection method: clinical testing. Allele origin: germline.
Comment: This sequence change replaces asparagine, which is neutral and polar, with threonine, which is neutral and polar, at codon 361 of the PKLR protein (p.Asn361Thr). This variant is not present in population databases (gnomAD no frequency). This missense change has been observed in individual(s) with pyruvate kinase deficiency (Invitae). ClinVar contains an entry for this variant (Variation ID: 816680). Advanced modeling of protein sequence and biophysical properties (such as structural, functional, and spatial information, amino acid conservation, physicochemical variation, residue mobility, and thermodynamic stability) has been performed at Invitae for this missense variant, however the output from this modeling did not meet the statistical confidence thresholds required to predict the impact of this variant on PKLR protein function. In summary, the available evidence is currently insufficient to determine the role of this variant in disease. Therefore, it has been classified as a Variant of Uncertain Significance.

ARUP Laboratories, Molecular Genetics and Genomics, ARUP Laboratories
Classification: Likely pathogenic. Last evaluated: 2024-05-23. Review status: criteria provided, single submitter. Criteria: ARUP Molecular Germline Variant Investigation Process 2024. Collection method: clinical testing. Allele origin: germline.
Comment: The PKLR c.1082A>C; p.Asn361Thr variant (rs1358047518), to our knowledge, is not reported in the medical literature but is reported in ClinVar (Variation ID: 816680). An alternative change at this codon (p.Asn361Asp) has been reported in a compound heterozygous configuration with additional PKLR variants in one individual with PK deficiency (Lenzner 1994). This variant is absent from the Genome Aggregation Database, indicating it is not a common polymorphism. Computational analyses predict this variant is deleterious (REVEL: 0.906). Based on available information, this variant is considered to be likely pathogenic. References: Lenzner C et al. Mutations in the pyruvate kinase L gene in patients with hereditary hemolytic anemia. Blood. 1994 May 15. PMID: 8180378

Revvity Omics, Revvity
Classification: Uncertain significance. Last evaluated: 2023-04-06. Review status: criteria provided, single submitter. Criteria: ACMG Guidelines, 2015. Collection method: clinical testing. Allele origin: germline.

GeneDx
Classification: Uncertain significance. Last evaluated: 2022-08-15. Review status: criteria provided, single submitter. Criteria: GeneDx Variant Classification Process June 2021. Collection method: clinical testing. Allele origin: germline. Affected: yes.
Comment: Not observed at significant frequency in large population cohorts (gnomAD); In silico analysis supports that this missense variant has a deleterious effect on protein structure/function; Has not been previously published as pathogenic or benign to our knowledge

Johns Hopkins Genomics, Johns Hopkins University
Classification: Likely pathogenic for Pyruvate kinase deficiency of red cells. Last evaluated: 2019-11-22. Review status: criteria provided, single submitter. Criteria: ACMG Guidelines, 2015. Collection method: clinical testing. Allele origin: germline.
Comment: This PKLR variant is absent from large population datasets and has not been reported in the literature, to our knowledge. Three bioinformatic tools queried predict that this substitution would be possibly damaging, and the asparagine residue at this position is evolutionarily conserved across the vertebrates assessed. This asparagine is located at the A/C subunit interface of the protein where other amino acid subsitutions have been reported in patients with hemolytic anemia due to pyruvate kinase deficiency. A different subsitution at this amino acid residue (p.Asn361Asp) has been identified in two patients with pyruvate kinase deficiency who each had a different second PKLR missense variant. We consider PKLR c.1082A>C to be likely pathogenic.

Literature cited by the submitters: PubMed 8180378 (cited by 3billion).

NM_000298.6(PKLR):c.1082A>C (p.Asn361Thr)

Gene: PKLR (pyruvate kinase L/R; minus strand). Cytogenetic location: 1q22.
Variant type: single nucleotide variant.
Coding change: c.1082A>C on transcript NM_000298.6 (MANE Select); coding-DNA position 1082, A replaced by C.
Protein change: p.Asn361Thr; replaces asparagine 361 with threonine.
Molecular consequence: missense variant.
Genome position (GRCh38, 1-based): chr1:155,294,269, T>G on the plus strand (A>C on the coding strand, the complement: PKLR is on the minus strand). VCF-style: chr1-155294269-T-G. GRCh37 (hg19) VCF-style: chr1-155264060-T-G.
Other names: c.989A>C, p.Asn330Thr (NM_181871.4); c.1082A>C (NM_000298.5); short protein forms N330T, N361T.
Identifiers: ClinVar variation 816680 (VCV000816680.16), dbSNP rs1358047518, ClinGen allele CA342753343.